The following is an entry in ClinVar:

NM_000128.4(F11):c.738G>A (p.Trp246Ter)

Gene: F11 (coagulation factor XI; plus strand). Cytogenetic location: 4q35.2.
Variant type: single nucleotide variant.
Coding change: c.738G>A on transcript NM_000128.4 (MANE Select); coding-DNA position 738, G replaced by A.
Protein change: p.Trp246Ter; replaces tryptophan 246 with a stop codon.
Molecular consequence: nonsense.
Genome position (GRCh38, 1-based): chr4:186,276,373, G>A. VCF-style: chr4-186276373-G-A. GRCh37 (hg19) VCF-style: chr4-187197527-G-A.
Other names: c.738G>A (NM_000128.3); short protein forms W246*.
Identifiers: ClinVar variation 1457590 (VCV001457590.11), dbSNP rs281875279, ClinGen allele CA3163759.

ClinVar aggregate classification (germline): Pathogenic. Review status: criteria provided, multiple submitters, no conflicts (2 of 4 stars). 3 submissions from 3 submitters: Pathogenic (3). Last evaluated 2025-09-25.

Conditions:
Plasma factor XI deficiency.
Hereditary factor XI deficiency disease. Also called: PLASMA THROMBOPLASTIN ANTECEDENT DEFICIENCY; Congenital factor XI deficiency; PTA DEFICIENCY; ROSENTHAL SYNDROME. Identifiers: Orphanet 329, MedGen C0015523, MeSH D005173, MONDO:0012897, OMIM 612416.

Allele frequency attached by ClinVar (database versions not stated): ExAC 0.00002; gnomAD exomes 0.00002.

Submissions (3):

Natera, Inc.
Classification: Pathogenic for Plasma factor XI deficiency. Last evaluated: 2025-09-25. Review status: criteria provided, single submitter. Criteria: Natera Variant Classification Schema (03/2026). Collection method: clinical testing. Allele origin: germline.
Comment: The c.738G>A variant in F11 is a nonsense variant predicted to introduce a stop codon at amino acid 246. This variant is expected to result in nonsense mediated decay, truncation, or a dysfunctional protein product. This variant is rare in the general population with a frequency below the threshold expected for the associated phenotype(s). This variant has been observed in one or more individuals affected with the associated recessive disease, as either homozygous or compound heterozygous with a second variant (PMID: 27067486). Given the available evidence, this variant is classified as Pathogenic.

Labcorp Genetics (formerly Invitae), Labcorp
Classification: Pathogenic. Last evaluated: 2024-01-19. Review status: criteria provided, single submitter. Criteria: Invitae Variant Classification Sherloc (09022015). Collection method: clinical testing. Allele origin: germline.
Comment: This sequence change creates a premature translational stop signal (p.Trp246*) in the F11 gene. It is expected to result in an absent or disrupted protein product. Loss-of-function variants in F11 are known to be pathogenic (PMID: 23929304). This variant is present in population databases (rs281875279, gnomAD 0.02%). This premature translational stop signal has been observed in individuals with autosomal recessive factor XI (FXI) deficiency (PMID: 30720488, 30950027). This variant is also known as Trp228Term. ClinVar contains an entry for this variant (Variation ID: 1457590). For these reasons, this variant has been classified as Pathogenic.

Juno Genomics, Hangzhou Juno Genomics, Inc
Classification: Pathogenic for Hereditary factor XI deficiency disease. Review status: criteria provided, single submitter. Criteria: ACMG Guidelines, 2015. Collection method: clinical testing. Allele origin: germline.
Comment: Absent from controls (or at extremely low frequency if recessive) in Genome Aggregation Database.;Null variant in a gene where loss of function (LOF) is a known mechanism of disease.;For recessive disorders, detected in trans with a pathogenic variant.;Patient's phenotype or family history is highly specific for a disease with a single genetic etiology.

Literature cited by the submitters: PubMed 27067486 (cited by Natera, Inc.); PubMed 23929304 (cited by Labcorp Genetics (formerly Invitae), Labcorp); PubMed 30720488 (cited by Labcorp Genetics (formerly Invitae), Labcorp); PubMed 30950027 (cited by Labcorp Genetics (formerly Invitae), Labcorp).